The following is an entry in ClinVar:

NM_021175.4(HAMP):c.40CTC[3] (p.Leu17_Leu18del)

Gene: HAMP (hepcidin antimicrobial peptide; plus strand). Cytogenetic location: 19q13.12.
Variant type: Microsatellite.
Coding change: c.40CTC[3] on transcript NM_021175.4 (MANE Select); three copies in a row of the 3-base unit CTC starting at c.40; the reference has five copies in a row; two copies, 6 bases deleted.
Protein change: p.Leu17_Leu18del.
Molecular consequence: inframe deletion.
Genome position (GRCh38, 1-based): chr19:35,282,626-35,282,631, CTCCTC deleted; deleting any 6 consecutive bases within chr19:35,282,617-35,282,631 gives the same sequence; the position shown is the placement nearest the transcript's 3' end. VCF-style (leftmost placement, unchanged base first): chr19-35282616-GCTCCTC-G. GRCh37 (hg19) VCF-style: chr19-35773519-GCTCCTC-G.
Identifiers: ClinVar variation 1431988 (VCV001431988.5), dbSNP rs760383487, ClinGen allele CA632741306.
Genomic context (GRCh38, chr19:35,282,616, plus strand): 5'-GGACAGCCAGACAGACGGCACGATGGCACTGAGCTCCCAGATCTGGGCCGCTTGCCTCCT[GCTCCTC>G]CTCCTCCTCGCCAGCCTGACCAGTGGCTCTGTTTTCCCACAACAGGTGAGAGCCCAGTGG-3'

ClinVar aggregate classification (germline): Uncertain significance (1 of 4 stars; one submission).

Conditions:
Hereditary hemochromatosis (HFE). Identifiers: MedGen C0392514, MONDO:0006507. Disease mechanism: loss of function.

Submission:

Labcorp Genetics (formerly Invitae), Labcorp
Classification: Uncertain significance for Hereditary hemochromatosis. Last evaluated: 2021-08-24. Review status: criteria provided, single submitter. Criteria: Invitae Variant Classification Sherloc (09022015). Collection method: clinical testing. Allele origin: germline.
Comment: This variant, c.49_54del, results in the deletion of 2 amino acid(s) of the HAMP protein (p.Leu17_Leu18del), but otherwise preserves the integrity of the reading frame. This variant is not present in population databases (ExAC no frequency). This variant has not been reported in the literature in individuals affected with HAMP-related conditions. Experimental studies and prediction algorithms are not available or were not evaluated, and the functional significance of this variant is currently unknown. In summary, the available evidence is currently insufficient to determine the role of this variant in disease. Therefore, it has been classified as a Variant of Uncertain Significance.